The following is an entry in ClinVar:

NM_182961.4(SYNE1):c.11935C>A (p.Arg3979Ser)

Gene: SYNE1 (spectrin repeat containing nuclear envelope protein 1; minus strand). Cytogenetic location: 6q25.2.
Variant type: single nucleotide variant.
Coding change: c.11935C>A on transcript NM_182961.4 (MANE Select); coding-DNA position 11935, C replaced by A.
Protein change: p.Arg3979Ser; replaces arginine 3979 with serine.
Molecular consequence: missense variant.
Genome position (GRCh38, 1-based): chr6:152,347,202, G>T on the plus strand (C>A on the coding strand, the complement: SYNE1 is on the minus strand). VCF-style: chr6-152347202-G-T. GRCh37 (hg19) VCF-style: chr6-152668337-G-T.
Other names: c.11722C>A, p.Arg3908Ser (NM_033071.5); short protein forms R3908S, R3979S.
Identifiers: ClinVar variation 285729 (VCV000285729.12), dbSNP rs755560676, ClinGen allele CA10605221.

ClinVar aggregate classification (germline): Uncertain significance. Review status: criteria provided, multiple submitters, no conflicts (2 of 4 stars). 2 submissions from 2 submitters: Uncertain significance (2). Last evaluated 2021-04-28.

Conditions:
Autosomal recessive ataxia, Beauce type. Also called: Spinocerebellar ataxia, autosomal recessive 8; ATAXIA, RECESSIVE, OF BEAUCE; SYNE1 Deficiency; SYNE1-Related Autosomal Recessive Cerebellar Ataxia. Identifiers: Orphanet 88644, MedGen C1853116, MONDO:0012549, OMIM 610743.
Emery-Dreifuss muscular dystrophy 4, autosomal dominant (EDMD4). Also called: EMERY-DREIFUSS MUSCULAR DYSTROPHY 4 WITH VARIABLE FEATURES. Identifiers: Orphanet 261, MedGen C2751807, MONDO:0013071, OMIM 612998.

Allele frequency attached by ClinVar (database versions not stated): TOPMed 0.00001.
gnomAD v4.1: 20 of 1,614,106 alleles (0.0012%); highest among the groups gnomAD compares: Non-Finnish European, 0.0015%; no homozygotes.

Submissions (2):

Labcorp Genetics (formerly Invitae), Labcorp
Classification: Uncertain significance for Emery-Dreifuss muscular dystrophy 4, autosomal dominant; Autosomal recessive ataxia, Beauce type. Last evaluated: 2021-04-28. Review status: criteria provided, single submitter. Criteria: Invitae Variant Classification Sherloc (09022015). Collection method: clinical testing. Allele origin: germline.
Comment: In summary, the available evidence is currently insufficient to determine the role of this variant in disease. Therefore, it has been classified as a Variant of Uncertain Significance. Algorithms developed to predict the effect of missense changes on protein structure and function (SIFT, PolyPhen-2, Align-GVGD) all suggest that this variant is likely to be tolerated, but these predictions have not been confirmed by published functional studies and their clinical significance is uncertain. This variant has not been reported in the literature in individuals with SYNE1-related conditions. ClinVar contains an entry for this variant (Variation ID: 285729). This variant is not present in population databases (ExAC no frequency). This sequence change replaces arginine with serine at codon 3908 of the SYNE1 protein (p.Arg3908Ser). The arginine residue is highly conserved and there is a moderate physicochemical difference between arginine and serine.

Eurofins Ntd Llc (ga)
Classification: Uncertain significance. Last evaluated: 2016-01-23. Review status: criteria provided, single submitter. Criteria: EGL Classification Definitions 2015. Collection method: clinical testing. Allele origin: germline. Observed: 1 variant allele, 1 heterozygote.